The following is an entry in ClinVar:

NM_001184.4(ATR):c.7786G>A (p.Glu2596Lys)

Gene: ATR (ATR checkpoint kinase; minus strand). Cytogenetic location: 3q23.
Variant type: single nucleotide variant.
Coding change: c.7786G>A on transcript NM_001184.4 (MANE Select); coding-DNA position 7786, G replaced by A.
Protein change: p.Glu2596Lys; replaces glutamic acid 2596 with lysine.
Molecular consequence: missense variant.
Genome position (GRCh38, 1-based): chr3:142,449,578, C>T on the plus strand (G>A on the coding strand, the complement: ATR is on the minus strand). VCF-style: chr3-142449578-C-T. GRCh37 (hg19) VCF-style: chr3-142168420-C-T.
Other names: c.7594G>A, p.Glu2532Lys (NM_001354579.2); short protein forms E2532K, E2596K.
Identifiers: ClinVar variation 1760618 (VCV001760618.3), dbSNP rs768358025, ClinGen allele CA2649028.
Genomic context (GRCh38, chr3:142,449,578, plus strand): 5'-TAGATAACGGCAGTCCTGTCACTCTATTTCGAGTCTTGATTACACCTTGTAGTCGCTGCT[C>T]AATGTCAAGAACATGGGTCTTGGCCTAAAAAGAAGAAACATAAAACCAAAAACAGATGTT-3'
Protein context (NP_001175.2, residues 2586-2606): EKAKTHVLDI[Glu2596Lys]QRLQGVIKTR

ClinVar aggregate classification (germline): Uncertain significance (1 of 4 stars; one submission).

Conditions:
Inborn genetic diseases. Identifiers: MedGen C0950123, MeSH D030342.

Allele frequency attached by ClinVar (database versions not stated): gnomAD 0.00001; gnomAD exomes 0.00001; ExAC 0.00002.
gnomAD v4.1: 4 of 1,613,982 alleles (0.00025%); highest among the groups gnomAD compares: South Asian, 0.0011%; no homozygotes.

Submission:

Ambry Genetics
Classification: Uncertain significance for Inborn genetic diseases. Last evaluated: 2024-10-23. Review status: criteria provided, single submitter. Criteria: Ambry Variant Classification Scheme 2023. Collection method: clinical testing. Allele origin: germline.
Comment: The p.E2596K variant (also known as c.7786G>A), located in coding exon 47 of the ATR gene, results from a G to A substitution at nucleotide position 7786. The glutamic acid at codon 2596 is replaced by lysine, an amino acid with similar properties. This amino acid position is conserved. In addition, the in silico prediction for this alteration is inconclusive. Since supporting evidence is limited at this time, the clinical significance of this alteration remains unclear.